The following is an entry in ClinVar:

ClinVar aggregate classification (germline): Uncertain significance (1 of 4 stars; one submission).

Conditions:
Muscular dystrophy-dystroglycanopathy (congenital with brain and eye anomalies), type A, 7. Also called: WALKER-WARBURG SYNDROME OR MUSCLE-EYE-BRAIN DISEASE, ISPD-RELATED; Congenital muscular dystrophy-dystroglycanopathy with brain and eye anomalies, type A7. Identifiers: Orphanet 899, MedGen C3553330, MONDO:0013835, OMIM 614643.
Autosomal recessive limb-girdle muscular dystrophy type 2U. Also called: MUSCULAR DYSTROPHY, LIMB-GIRDLE, TYPE 2U; Muscular dystrophy-dystroglycanopathy (limb-girdle), type c, 7. Identifiers: Orphanet 352479, MedGen C5190987, MONDO:0014474, OMIM 616052.

Submission:

Labcorp Genetics (formerly Invitae), Labcorp
Classification: Uncertain significance for Muscular dystrophy-dystroglycanopathy (congenital with brain and eye anomalies), type A, 7; Autosomal recessive limb-girdle muscular dystrophy type 2U. Last evaluated: 2022-06-13. Review status: criteria provided, single submitter. Criteria: Invitae Variant Classification Sherloc (09022015). Collection method: clinical testing. Allele origin: germline.
Comment: A copy number gain of the genomic region encompassing the full coding sequence of the ISPD gene has been identified. The boundaries of this event are unknown as they extend beyond the assayed region for this gene and therefore may encompass additional genes. As the precise location of this event is unknown, it may be in tandem or it may be located elsewhere in the genome. This variant has not been reported in the literature in individuals affected with ISPD-related conditions. In summary, the available evidence is currently insufficient to determine the role of this variant in disease. Therefore, it has been classified as a Variant of Uncertain Significance.

NC_000007.13:g.(?_16131310)_(16460957_?)dup

Gene: CRPPA (CDP-L-ribitol pyrophosphorylase A; minus strand). Cytogenetic location: 7p21.2.
Variant type: Duplication.
Identifiers: ClinVar variation 1062459 (VCV001062459.7).